The following is an entry in ClinVar:

NM_016169.4(SUFU):c.183-67del

Gene: SUFU (SUFU negative regulator of hedgehog signaling; plus strand). Cytogenetic location: 10q24.32.
Variant type: Deletion.
Coding change: c.183-67del on transcript NM_016169.4 (MANE Select); 67 bases into the intron before coding-DNA position 183, one base deleted (G; older notation c.183-67delG).
Molecular consequence: intron variant.
Genome position (GRCh38, 1-based): chr10:102,509,102, G deleted. VCF-style (leftmost placement, unchanged base first): chr10-102509101-AG-A. GRCh37 (hg19) VCF-style: chr10-104268858-AG-A.
Other names: c.183-67del (NM_001178133.2); c.183-67delG (NM_016169.3).
Identifiers: ClinVar variation 677758 (VCV000677758.1), dbSNP rs139516830, ClinGen allele CA212240559.

ClinVar aggregate classification (germline): Benign (1 of 4 stars; one submission).

Allele frequency attached by ClinVar (database versions not stated): gnomAD 0.10605 and 0.11481; TOPMed 0.12155; gnomAD exomes 0.12404; 1000 Genomes Project 30x 0.19800; 1000 Genomes Project 0.20387.

Submission:

GeneDx
Classification: Benign. Last evaluated: 2018-06-20. Review status: criteria provided, single submitter. Criteria: GeneDx Variant Classification (06012015). Collection method: clinical testing. Allele origin: germline. Affected: yes.
Comment: This variant is considered likely benign or benign based on one or more of the following criteria: it is a conservative change, it occurs at a poorly conserved position in the protein, it is predicted to be benign by multiple in silico algorithms, and/or has population frequency not consistent with disease.